The following is an entry in ClinVar:

ClinVar aggregate classification (germline): Uncertain significance (1 of 4 stars; one submission).

Submission:

Labcorp Genetics (formerly Invitae), Labcorp
Classification: Uncertain significance. Last evaluated: 2025-04-24. Review status: criteria provided, single submitter. Criteria: Invitae Variant Classification Sherloc (09022015). Collection method: clinical testing. Allele origin: germline.
Comment: This sequence change replaces aspartic acid, which is acidic and polar, with histidine, which is basic and polar, at codon 655 of the VPS13C protein (p.Asp655His). This variant is not present in population databases (gnomAD no frequency). This variant has not been reported in the literature in individuals affected with VPS13C-related conditions. Invitae Evidence Modeling of protein sequence and biophysical properties (such as structural, functional, and spatial information, amino acid conservation, physicochemical variation, residue mobility, and thermodynamic stability) indicates that this missense variant is expected to disrupt VPS13C protein function with a positive predictive value of 80%. In summary, the available evidence is currently insufficient to determine the role of this variant in disease. Therefore, it has been classified as a Variant of Uncertain Significance.

NM_020821.3(VPS13C):c.1963G>C (p.Asp655His)

Gene: VPS13C (vacuolar protein sorting 13 homolog C; minus strand). Cytogenetic location: 15q22.2.
Variant type: single nucleotide variant.
Coding change: c.1963G>C on transcript NM_020821.3 (MANE Select); coding-DNA position 1963, G replaced by C.
Protein change: p.Asp655His; replaces aspartic acid 655 with histidine.
Molecular consequence: missense variant.
Genome position (GRCh38, 1-based): chr15:61,982,525, C>G on the plus strand (G>C on the coding strand, the complement: VPS13C is on the minus strand). VCF-style: chr15-61982525-C-G. GRCh37 (hg19) VCF-style: chr15-62274724-C-G.
Other names: c.1963G>C, p.Asp655His (NM_001018088.3); c.1834G>C, p.Asp612His (NM_017684.5, NM_018080.4); short protein forms D655H, D612H.
Identifiers: ClinVar variation 4744980 (VCV004744980.1).